The following is an entry in ClinVar:

NM_000921.5(PDE3A):c.1385G>A (p.Arg462His)

Gene: PDE3A (phosphodiesterase 3A; plus strand). Cytogenetic location: 12p12.2.
Variant type: single nucleotide variant.
Coding change: c.1385G>A on transcript NM_000921.5 (MANE Select); coding-DNA position 1385, G replaced by A.
Protein change: p.Arg462His; replaces arginine 462 with histidine.
Molecular consequence: missense variant.
Genome position (GRCh38, 1-based): chr12:20,616,345, G>A. VCF-style: chr12-20616345-G-A. GRCh37 (hg19) VCF-style: chr12-20769279-G-A.
Other names: c.419G>A, p.Arg140His (NM_001244683.2, NM_001378409.1); c.1385G>A, p.Arg462His (NM_001378407.1); c.422G>A, p.Arg141His (NM_001378408.1); short protein forms R141H, R140H, R462H.
Identifiers: ClinVar variation 2887835 (VCV002887835.3), dbSNP rs760825164, ClinGen allele CA6473728.

ClinVar aggregate classification (germline): Uncertain significance (1 of 4 stars; one submission).

Allele frequency attached by ClinVar (database versions not stated): TOPMed 0.00002; gnomAD 0.00003; gnomAD exomes 0.00003; ExAC 0.00004.
gnomAD v4.1: 42 of 1,613,398 alleles (0.0026%); highest among the groups gnomAD compares: Middle Eastern, 0.016%; no homozygotes.

Submission:

Labcorp Genetics (formerly Invitae), Labcorp
Classification: Uncertain significance. Last evaluated: 2023-05-23. Review status: criteria provided, single submitter. Criteria: Invitae Variant Classification Sherloc (09022015). Collection method: clinical testing. Allele origin: germline.
Comment: This sequence change replaces arginine, which is basic and polar, with histidine, which is basic and polar, at codon 462 of the PDE3A protein (p.Arg462His). In summary, the available evidence is currently insufficient to determine the role of this variant in disease. Therefore, it has been classified as a Variant of Uncertain Significance. An algorithm developed to predict the effect of missense changes on protein structure and function (PolyPhen-2) suggests that this variant is likely to be disruptive. This variant has not been reported in the literature in individuals affected with PDE3A-related conditions. This variant is present in population databases (rs760825164, gnomAD 0.01%).